The following is an entry in ClinVar:

NM_001267550.2(TTN):c.39618A>G (p.Pro13206=)

Gene: TTN (titin; minus strand). Cytogenetic location: 2q31.2.
Variant type: single nucleotide variant.
Coding change: c.39618A>G on transcript NM_001267550.2 (MANE Select); coding-DNA position 39618, A replaced by G.
Protein change: p.Pro13206=; no amino-acid change (proline 13206 retained).
Molecular consequence: synonymous variant. On other transcripts: intron variant (3).
Genome position (GRCh38, 1-based): chr2:178,651,250, T>C on the plus strand (A>G on the coding strand, the complement: TTN is on the minus strand). VCF-style: chr2-178651250-T-C. GRCh37 (hg19) VCF-style: chr2-179515977-T-C.
Other names: c.35097A>G, p.Pro11699= (NM_001256850.1); c.32316A>G, p.Pro10772= (NM_133378.4); c.13283-8933A>G (NM_003319.4); c.13859-8933A>G (NM_133437.4); c.13658-8933A>G (NM_133432.3).
Identifiers: ClinVar variation 4821835 (VCV004821835.4).
Genomic context (GRCh38, chr2:178,651,250, plus strand): 5'-CTTATTAGACAAGGGTGAGTGCTTTTCTGCAGAATCTCATTAGTGACATGTACCTTTTGC[T>C]GGTGGGACTTCTGGCTTTTTGGGAACAGCTACTTTCTTTTCTGGAACAACTTCTTTTGGA-3'
Protein context (NP_001254479.2, residues 13196-13216): VAVPKKPEVP[Pro13206=]AKVPEVPKKP

ClinVar aggregate classification (germline): Likely benign (1 of 4 stars; one submission).

gnomAD v4.1: 1 of 1,613,054 alleles (0.000062%); highest among the groups gnomAD compares: East Asian, 0.0022%; no homozygotes.

Submission:

CeGaT Center for Human Genetics Tuebingen
Classification: Likely benign. Last evaluated: 2026-03-01. Review status: criteria provided, single submitter. Criteria: CeGaT Center For Human Genetics Tuebingen Variant Classification Criteria Version 2. Collection method: clinical testing. Allele origin: germline. Affected: yes. Observed: 1 variant allele.
Comment: TTN: BP4, BP7